The following is an entry in ClinVar:

ClinVar aggregate classification (germline): Uncertain significance (1 of 4 stars; one submission).

Submission:

Labcorp Genetics (formerly Invitae), Labcorp
Classification: Uncertain significance. Last evaluated: 2025-08-05. Review status: criteria provided, single submitter. Criteria: Invitae Variant Classification Sherloc (09022015). Collection method: clinical testing. Allele origin: germline.
Comment: This sequence change creates a premature translational stop signal (p.Gly595Valfs*14) in the MYLK3 gene. It is expected to result in an absent or disrupted protein product. However, the current clinical and genetic evidence is not sufficient to establish whether loss-of-function variants in MYLK3 cause disease. This variant is present in population databases (rs757982087, gnomAD 0.002%). This variant has not been reported in the literature in individuals affected with MYLK3-related conditions. ClinVar contains an entry for this variant (Variation ID: 1514434). In summary, the available evidence is currently insufficient to determine the role of this variant in disease. Therefore, it has been classified as a Variant of Uncertain Significance.

NM_182493.3(MYLK3):c.1784del (p.Gly595fs)

Gene: MYLK3 (myosin light chain kinase 3; minus strand). Cytogenetic location: 16q11.2.
Variant type: Deletion.
Coding change: c.1784del on transcript NM_182493.3 (MANE Select); coding-DNA position 1784, one base deleted (G; older notation c.1784delG).
Protein change: p.Gly595fs; shifts the reading frame from glycine 595.
Molecular consequence: frameshift variant.
Genome position (GRCh38, 1-based): chr16:46,727,366, C deleted on the plus strand (G on the coding strand, the reverse complement: MYLK3 is on the minus strand); the first of 5 consecutive C bases (chr16:46,727,366-46,727,370); deleting any one gives the same sequence. VCF-style (leftmost placement, unchanged base first): chr16-46727365-AC-A. GRCh37 (hg19) VCF-style: chr16-46761277-AC-A.
Other names: c.761del, p.Gly254fs (NM_001308301.1); short protein forms G254fs, G595fs.
Identifiers: ClinVar variation 1514434 (VCV001514434.6), dbSNP rs757982087, ClinGen allele CA8037844.
Genomic context (GRCh38, chr16:46,727,365, plus strand): 5'-CAGGACCACATCCAGCTCAGTCAGGTGGTACTTCTCATCTGTGATCCGGTCGAAGAGCTC[AC>A]CCCCGTCCACGCTGCCAGAGCAAAGGGAGAGGCAGGCACCAGCCTAAGCAAGGCTCTTCA-3'